The following is an entry in ClinVar:

ClinVar aggregate classification (germline): Uncertain significance. Review status: criteria provided, multiple submitters, no conflicts (2 of 4 stars). 2 submissions from 2 submitters: Uncertain significance (2). Last evaluated 2025-01-27.

Conditions:
Wilms tumor 1 (WT1). Also called: Wilms tumor, somatic. Identifiers: Orphanet 654, MedGen CN033288, MONDO:0008679, OMIM 194070.
Inborn genetic diseases. Identifiers: MedGen C0950123, MeSH D030342.

Submissions (2):

Ambry Genetics
Classification: Uncertain significance for Inborn genetic diseases. Last evaluated: 2025-01-27. Review status: criteria provided, single submitter. Criteria: Ambry Variant Classification Scheme 2023. Collection method: clinical testing. Allele origin: germline.
Comment: The p.M69V variant (also known as c.205A>G), located in coding exon 1 of the WT1 gene, results from an A to G substitution at nucleotide position 205. The methionine at codon 69 is replaced by valine, an amino acid with highly similar properties. This amino acid position is conserved. In addition, the in silico prediction for this alteration is inconclusive. Based on the available evidence, the clinical significance of this variant remains unclear.

All of Us Research Program, National Institutes of Health
Classification: Uncertain significance for Wilms tumor 1. Last evaluated: 2023-05-04. Review status: criteria provided, single submitter. Criteria: ACMG Guidelines, 2015. Collection method: clinical testing. Allele origin: germline. Inheritance: Autosomal dominant inheritance. Observed: 1 variant allele, 1 heterozygote.
Comment: This missense variant replaces methionine with valine at codon 69 of the WT1 protein. Computational prediction suggests that this variant may not impact protein structure and function (internally defined REVEL score threshold <= 0.5, PMID: 27666373). To our knowledge, functional studies have not been reported for this variant. This variant has not been reported in individuals affected with WT1-related disorders in the literature. This variant has not been identified in the general population by the Genome Aggregation Database (gnomAD). The available evidence is insufficient to determine the role of this variant in disease conclusively. Therefore, this variant is classified as a Variant of Uncertain Significance.

This study involves interpretation of variants in research participants for the purpose of population health screening. Participant phenotype was not available at the time of variant classification. Additional details can be found in publication PMID: 35346344, PMCID: PMC8962531

NM_024426.6(WT1):c.220A>G (p.Met74Val)

Genes: WT1 (WT1 transcription factor; minus strand), LOC107982234 (WT1/WT1-AS bi-directional promoter region; plus strand). Cytogenetic location: 11p13.
Variant type: single nucleotide variant.
Coding change: c.220A>G on transcript NM_024426.6 (MANE Select); coding-DNA position 220, A replaced by G.
Protein change: p.Met74Val; replaces methionine 74 with valine.
Molecular consequence: missense variant. On other transcripts: non-coding transcript variant (2).
Genome position (GRCh38, 1-based): chr11:32,435,141, T>C on the plus strand (A>G on the coding strand, the complement: WT1 is on the minus strand). VCF-style: chr11-32435141-T-C. GRCh37 (hg19) VCF-style: chr11-32456687-T-C.
Other names: c.220A>G, p.Met74Val (NM_000378.6, NM_001407044.1, NM_001407045.1 and 6 more transcripts); c.1A>G, p.Met1Val (NM_001429031.1, NM_001429032.1, NM_001429033.1 and 1 more transcripts); c.205A>G, p.Met69Val (NM_024425.2); c.205A>G (NM_024426.4); short protein forms M1V, M69V, M74V.
Identifiers: ClinVar variation 3070809 (VCV003070809.2), dbSNP rs2494486281, ClinGen allele CA379966132.